The following is an entry in ClinVar:

ClinVar aggregate classification (germline): Likely benign (0 of 4 stars; one submission).

Conditions:
PKD1L1-related disorder. Also called: PKD1L1-related condition.

Allele frequency attached by ClinVar (database versions not stated): gnomAD exomes 0.00003; ExAC 0.00006; 1000 Genomes Project 30x 0.00016; 1000 Genomes Project 0.00020; gnomAD 0.00020; TOPMed 0.00023; ESP Exome Variant Server 0.00031.
gnomAD v4.1: 87 of 1,612,302 alleles (0.0054%); highest among the groups gnomAD compares: African/African-American, 0.075%; 1 homozygote.

Submission:

PreventionGenetics, part of Exact Sciences
Classification: Likely benign for PKD1L1-related condition. Last evaluated: 2022-02-18. Review status: no assertion criteria provided. Collection method: clinical testing. Allele origin: germline.
Comment: This variant is classified as likely benign based on ACMG/AMP sequence variant interpretation guidelines (Richards et al. 2015 PMID: 25741868, with internal and published modifications).

NM_138295.5(PKD1L1):c.5943+8C>T

Gene: PKD1L1 (polycystin 1 like 1, transient receptor potential channel interacting; minus strand). Cytogenetic location: 7p12.3.
Variant type: single nucleotide variant.
Coding change: c.5943+8C>T on transcript NM_138295.5 (MANE Select); 8 bases into the intron after coding-DNA position 5943, C replaced by T.
Molecular consequence: intron variant.
Genome position (GRCh38, 1-based): chr7:47,836,913, G>A on the plus strand (C>T on the coding strand, the complement: PKD1L1 is on the minus strand). VCF-style: chr7-47836913-G-A. GRCh37 (hg19) VCF-style: chr7-47876511-G-A.
Identifiers: ClinVar variation 3046142 (VCV003046142.2), dbSNP rs200790142, ClinGen allele CA4252674.
Genomic context (GRCh38, chr7:47,836,913, plus strand): 5'-TTAGGCAAAAAGGGGCCACAGTGTAGTCGGATCTGGAAGCTGCTATAAGGAAAAGCGATG[G>A]CTCTCACCTGCTCTTGCCCTCCAGCAGCAACCAGGGCAGTGAGACACGCGTAGACGCACA-3'